The following is an entry in ClinVar:

ClinVar aggregate classification (germline): Uncertain significance (1 of 4 stars; one submission).

Conditions:
Mitochondrial complex II deficiency, nuclear type 1. Also called: SUCCINATE CoQ REDUCTASE DEFICIENCY. Identifiers: Orphanet 3208, MedGen C5700310, MONDO:0100294, OMIM 252011.
Pheochromocytoma/paraganglioma syndrome 5. Also called: Paragangliomas 5; SDHA-Related Hereditary Paraganglioma-Pheochromocytoma Syndrome. Identifiers: Orphanet 29072, MedGen C3279992, MONDO:0013602, OMIM 614165.

Submission:

Labcorp Genetics (formerly Invitae), Labcorp
Classification: Uncertain significance for Pheochromocytoma/paraganglioma syndrome 5; Mitochondrial complex II deficiency, nuclear type 1. Last evaluated: 2021-04-02. Review status: criteria provided, single submitter. Criteria: Invitae Variant Classification Sherloc (09022015). Collection method: clinical testing. Allele origin: germline.
Comment: In summary, the available evidence is currently insufficient to determine the role of this variant in disease. Therefore, it has been classified as a Variant of Uncertain Significance. Algorithms developed to predict the effect of missense changes on protein structure and function (SIFT, PolyPhen-2, Align-GVGD) all suggest that this variant is likely to be disruptive, but these predictions have not been confirmed by published functional studies and their clinical significance is uncertain. This variant has not been reported in the literature in individuals with SDHA-related conditions. ClinVar contains an entry for this variant (Variation ID:¬†572860). This variant is reported as two separate entries in the ExAC population database (c.1037C>G, ExAC no frequency and c.1038C>G,¬†ExAC¬†56.75%). This sequence change replaces serine with tryptophan at codon 346 of the SDHA protein (p.Ser346Trp). The¬†serine¬†residue is moderately conserved and there is a large physicochemical difference between¬†serine¬†and¬†tryptophan.

NM_004168.4(SDHA):c.1037_1038inv (p.Ser346Trp)

Gene: SDHA (succinate dehydrogenase complex flavoprotein subunit A; plus strand). Cytogenetic location: 5p15.33.
Variant type: Inversion.
Coding change: c.1037_1038inv on transcript NM_004168.4 (MANE Select).
Protein change: p.Ser346Trp; replaces serine 346 with tryptophan.
Molecular consequence: missense variant.
Genome position: GRCh38 VCF-style: chr5-233618-CC-GG. GRCh37 (hg19) VCF-style: chr5-233733-CC-GG.
Other names: c.893_894inv, p.Ser298Trp (NM_001294332.2); c.1037_1038inv, p.Ser346Trp (NM_001330758.2); short protein forms S346W, S298W.
Identifiers: ClinVar variation 572860 (VCV000572860.6), ClinGen allele CA891842546.